The following is an entry in ClinVar:

ClinVar aggregate classification (germline): Uncertain significance (1 of 4 stars; one submission).

Submission:

GeneDx
Classification: Uncertain significance. Last evaluated: 2024-02-16. Review status: criteria provided, single submitter. Criteria: GeneDx Variant Classification Process June 2021. Collection method: clinical testing. Allele origin: germline. Affected: yes.
Comment: Not observed at significant frequency in large population cohorts (gnomAD); In silico analysis supports that this missense variant does not alter protein structure/function; Has not been previously published as pathogenic or benign to our knowledge

NM_024757.5(EHMT1):c.2316T>A (p.Asn772Lys)

Gene: EHMT1 (euchromatic histone lysine methyltransferase 1; plus strand). Cytogenetic location: 9q34.3.
Variant type: single nucleotide variant.
Coding change: c.2316T>A on transcript NM_024757.5 (MANE Select); coding-DNA position 2316, T replaced by A.
Protein change: p.Asn772Lys; replaces asparagine 772 with lysine.
Molecular consequence: missense variant.
Genome position (GRCh38, 1-based): chr9:137,782,331, T>A. VCF-style: chr9-137782331-T-A. GRCh37 (hg19) VCF-style: chr9-140676783-T-A.
Other names: c.2295T>A, p.Asn765Lys (NM_001354263.2); c.2316T>A, p.Asn772Lys (NM_001145527.2); c.2223T>A, p.Asn741Lys (NM_001354259.2); short protein forms N741K, N765K, N772K.
Identifiers: ClinVar variation 3369384 (VCV003369384.1).
Genomic context (GRCh38, chr9:137,782,331, plus strand): 5'-AAAACTGTGTTTGTTCACAGTGGACGGAATTGACCCCAACTTCAAAATGGAGCACCAGAA[T>A]AAGCGCTCTCCACTGCACGCCGCGGCAGAGGCTGGACACGTGGACATCTGCCACATGCTG-3'
Protein context (NP_079033.4, residues 762-782): IDPNFKMEHQ[Asn772Lys]KRSPLHAAAE